The following is an entry in ClinVar:

ClinVar aggregate classification (germline): Uncertain significance. Review status: criteria provided, multiple submitters, no conflicts (2 of 4 stars). 2 submissions from 2 submitters: Uncertain significance (2). Last evaluated 2025-07-20.

Conditions:
Inborn genetic diseases. Identifiers: MedGen C0950123, MeSH D030342.
Immunodeficiency 67. Also called: Immunodeficiency due to interleukin-1 receptor-associated kinase-4 deficiency. Identifiers: Orphanet 70592, MedGen C1843256, MONDO:0011888, OMIM 607676.

Allele frequency attached by ClinVar (database versions not stated): ExAC 0.00002; gnomAD exomes 0.00004 and 0.00011; TOPMed 0.00004; gnomAD 0.00005 and 0.00006.
gnomAD v4.1: 165 of 1,613,854 alleles (0.01%); highest among the groups gnomAD compares: Non-Finnish European, 0.013%; no homozygotes.

Submissions (2):

Labcorp Genetics (formerly Invitae), Labcorp
Classification: Uncertain significance for Immunodeficiency 67. Last evaluated: 2025-07-20. Review status: criteria provided, single submitter. Criteria: Invitae Variant Classification Sherloc (09022015). Collection method: clinical testing. Allele origin: germline.
Comment: This sequence change replaces glutamic acid, which is acidic and polar, with alanine, which is neutral and non-polar, at codon 69 of the IRAK4 protein (p.Glu69Ala). This variant is present in population databases (rs202134282, gnomAD 0.006%). This variant has not been reported in the literature in individuals affected with IRAK4-related conditions. ClinVar contains an entry for this variant (Variation ID: 1043990). Invitae Evidence Modeling of protein sequence and biophysical properties (such as structural, functional, and spatial information, amino acid conservation, physicochemical variation, residue mobility, and thermodynamic stability) indicates that this missense variant is not expected to disrupt IRAK4 protein function with a negative predictive value of 80%. In summary, the available evidence is currently insufficient to determine the role of this variant in disease. Therefore, it has been classified as a Variant of Uncertain Significance.

Ambry Genetics
Classification: Uncertain significance for Inborn genetic diseases. Last evaluated: 2023-09-23. Review status: criteria provided, single submitter. Criteria: Ambry Variant Classification Scheme 2023. Collection method: clinical testing. Allele origin: germline.

NM_016123.4(IRAK4):c.206A>C (p.Glu69Ala)

Gene: IRAK4 (interleukin 1 receptor associated kinase 4; plus strand). Cytogenetic location: 12q12.
Variant type: single nucleotide variant.
Coding change: c.206A>C on transcript NM_016123.4 (MANE Select); coding-DNA position 206, A replaced by C.
Protein change: p.Glu69Ala; replaces glutamic acid 69 with alanine.
Molecular consequence: missense variant. On other transcripts: 5 prime UTR variant (4), intron variant (6).
Genome position (GRCh38, 1-based): chr12:43,771,264, A>C. VCF-style: chr12-43771264-A-C. GRCh37 (hg19) VCF-style: chr12-44165067-A-C.
Other names: c.206A>C, p.Glu69Ala (NM_001114182.3, NM_001351345.2); c.-167A>C (NM_001351339.2, NM_001351340.2, NM_001351341.2 and 1 more transcripts); c.-65-916A>C (NM_001351338.2, NM_001145256.2, NM_001145257.2 and 1 more transcripts); c.-216-916A>C (NM_001351343.2, NM_001351344.2); c.206A>C (NM_016123.3); short protein forms E69A.
Identifiers: ClinVar variation 1043990 (VCV001043990.8), dbSNP rs202134282, ClinGen allele CA6522305.